The following is an entry in ClinVar:

ClinVar aggregate classification (germline): Conflicting classifications of pathogenicity. Review status: criteria provided, conflicting classifications (1 of 4 stars). 2 submissions from 2 submitters: Uncertain significance (1); Likely benign (1). Last evaluated 2025-04-14.

Conditions:
Peutz-Jeghers syndrome (PJS). Also called: POLYPOSIS, HAMARTOMATOUS INTESTINAL; POLYPS-AND-SPOTS SYNDROME; Peutz-Jeghers polyposis; Periorificial lentiginosis syndrome. Identifiers: Orphanet 2869, MedGen C0031269, MeSH D010580, MONDO:0008280, OMIM 175200.
Hereditary cancer-predisposing syndrome. Also called: Tumor predisposition; Neoplastic Syndromes, Hereditary; Hereditary Cancer Syndrome; Hereditary neoplastic syndrome. Identifiers: Orphanet 140162, MedGen C0027672, MeSH D009386, MONDO:0015356.

Allele frequency attached by ClinVar (database versions not stated): TOPMed below 0.00001; gnomAD exomes 0.00001 and 0.00002; ExAC 0.00011.
gnomAD v4.1: 8 of 1,575,340 alleles (0.00051%); highest among the groups gnomAD compares: South Asian, 0.0093%; no homozygotes.

Submissions (2):

Labcorp Genetics (formerly Invitae), Labcorp
Classification: Likely benign for Peutz-Jeghers syndrome. Last evaluated: 2025-04-14. Review status: criteria provided, single submitter. Criteria: Invitae Variant Classification Sherloc (09022015). Collection method: clinical testing. Allele origin: germline.

Color Diagnostics, LLC DBA Color Health
Classification: Uncertain significance for Hereditary cancer-predisposing syndrome. Last evaluated: 2020-06-23. Review status: criteria provided, single submitter. Criteria: ACMG Guidelines, 2015. Collection method: clinical testing. Allele origin: germline.
Comment: This variant causes a T to C nucleotide substitution at the -11 position of intron 2 of the STK11 gene. Splice site prediction tools are inconclusive regarding the impact of this variant on RNA splicing. To our knowledge, functional studies have not been reported for this variant. This variant has not been reported in individuals affected with hereditary cancer in the literature. This variant has been identified in 3/192260 chromosomes in the general population by the Genome Aggregation Database (gnomAD). The available evidence is insufficient to determine the role of this variant in disease conclusively. Therefore, this variant is classified as a Variant of Uncertain Significance.

NM_000455.5(STK11):c.375-11T>C

Gene: STK11 (serine/threonine kinase 11; plus strand). Cytogenetic location: 19p13.3.
Variant type: single nucleotide variant.
Coding change: c.375-11T>C on transcript NM_000455.5 (MANE Select); 11 bases into the intron before coding-DNA position 375, T replaced by C.
Molecular consequence: intron variant.
Genome position (GRCh38, 1-based): chr19:1,219,313, T>C. VCF-style: chr19-1219313-T-C. GRCh37 (hg19) VCF-style: chr19-1219312-T-C.
Identifiers: ClinVar variation 627683 (VCV000627683.12), dbSNP rs773615399, ClinGen allele CA047388.